The following is an entry in ClinVar:

ClinVar aggregate classification (germline): Uncertain significance (1 of 4 stars; one submission).

Submission:

Labcorp Genetics (formerly Invitae), Labcorp
Classification: Uncertain significance. Last evaluated: 2025-04-07. Review status: criteria provided, single submitter. Criteria: Invitae Variant Classification Sherloc (09022015). Collection method: clinical testing. Allele origin: germline.
Comment: This variant, c.3237_3254del, results in the deletion of 6 amino acid(s) of the GRIN2D protein (p.Thr1082_Gly1087del), but otherwise preserves the integrity of the reading frame. The frequency data for this variant in the population databases is considered unreliable, as metrics indicate insufficient coverage at this position in the gnomAD database. This variant has not been reported in the literature in individuals affected with GRIN2D-related conditions. Experimental studies and prediction algorithms are not available or were not evaluated, and the functional significance of this variant is currently unknown. In summary, the available evidence is currently insufficient to determine the role of this variant in disease. Therefore, it has been classified as a Variant of Uncertain Significance.

NM_000836.4(GRIN2D):c.3237_3254del (p.Thr1082_Gly1087del)

Gene: GRIN2D (glutamate ionotropic receptor NMDA type subunit 2D; plus strand). Cytogenetic location: 19q13.33.
Variant type: Deletion.
Coding change: c.3237_3254del on transcript NM_000836.4 (MANE Select); coding-DNA positions 3237 to 3254, 18 bases deleted (GGGGGGCACGGGGGGCGC).
Protein change: p.Thr1082_Gly1087del.
Genome position (GRCh38, 1-based): chr19:48,443,163-48,443,180, GGGGGGCACGGGGGGCGC deleted; deleting any 18 consecutive bases within chr19:48,443,158-48,443,180 gives the same sequence; the c. name uses the placement nearest the transcript's 3' end. VCF-style (leftmost placement, unchanged base first): chr19-48443157-CGGCGCGGGGGGCACGGGG-C. GRCh37 (hg19) VCF-style: chr19-48946414-CGGCGCGGGGGGCACGGGG-C.
Identifiers: ClinVar variation 4804928 (VCV004804928.1).
Genomic context (GRCh38, chr19:48,443,157, plus strand): 5'-GCCCGCGCGGTGGCCGCGCTCGGACCCCGAGAGCCAACCCCTGCTGGGGCCAGGCGCGGG[CGGCGCGGGGGGCACGGGG>C]GGCGCAGGCGGAGGAGCCCCGGCCGCTCCGCCCCCGTGCCGCGCCGCGCCGCCCCCGTGC-3'